The following is an entry in ClinVar:

ClinVar aggregate classification (germline): Likely benign (1 of 4 stars; one submission).

Conditions:
UNC79-related disorder. Also called: UNC79-related condition.

gnomAD v4.1: 85 of 1,612,188 alleles (0.0053%); highest among the groups gnomAD compares: Non-Finnish European, 0.007%; no homozygotes.

Submission:

PreventionGenetics, part of Exact Sciences
Classification: Likely benign for UNC79-related condition. Last evaluated: 2025-03-10. Review status: criteria provided, single submitter. Criteria: ACMG Guidelines, 2015. Collection method: clinical testing. Allele origin: germline.
Comment: This variant is classified as likely benign based on ACMG/AMP sequence variant interpretation guidelines (Richards et al. 2015 PMID: 25741868, with internal and published modifications).

NM_001395159.1(UNC79):c.1946+9G>C

Gene: UNC79 (unc-79 subunit of NALCN channel complex; plus strand). Cytogenetic location: 14q32.12.
Variant type: single nucleotide variant.
Coding change: c.1946+9G>C on transcript NM_001395159.1 (MANE Select); 9 bases into the intron after coding-DNA position 1946, G replaced by C.
Molecular consequence: intron variant.
Genome position (GRCh38, 1-based): chr14:93,572,093, G>C. VCF-style: chr14-93572093-G-C. GRCh37 (hg19) VCF-style: chr14-94038439-G-C.
Other names: c.1415+9G>C (NM_020818.5); c.1946+9G>C (NM_001346218.2).
Identifiers: ClinVar variation 4977584 (VCV004977584.1).
Genomic context (GRCh38, chr14:93,572,093, plus strand): 5'-TCAGAACAGAAGTCCCAGATAATCAGTTAAAAGAATTCAGGGAAGTATTAAGGTGGGTAA[G>C]TAGTTTAATGAAGTCACTGTAATTATAATCATATCTAACGTTTGGTGAGCATGTACTGTA-3'